The following is an entry in ClinVar:

ClinVar aggregate classification (germline): Pathogenic (1 of 4 stars; one submission).

Conditions:
Deficiency of ferroxidase (ACEP). Also called: NEURODEGENERATION WITH BRAIN IRON ACCUMULATION 10; Aceruloplasminemia; Ceruloplasmin deficiency; Familial apoceruloplasmin deficiency; Hereditary ceruloplasmin deficiency; Deficiency of ceruloplasmin. Identifiers: Orphanet 48818, MedGen C0878682, MONDO:0011426, OMIM 604290, HP:0025498.

Submission:

Labcorp Genetics (formerly Invitae), Labcorp
Classification: Pathogenic for Deficiency of ferroxidase. Last evaluated: 2021-02-03. Review status: criteria provided, single submitter. Criteria: Invitae Variant Classification Sherloc (09022015). Collection method: clinical testing. Allele origin: germline.
Comment: For these reasons, this variant has been classified as Pathogenic. This variant has not been reported in the literature in individuals with CP-related conditions. This variant is not present in population databases (ExAC no frequency). This sequence change creates a premature translational stop signal (p.Tyr774*) in the CP gene. It is expected to result in an absent or disrupted protein product. Loss-of-function variants in CP are known to be pathogenic (PMID: 16629161).

Literature cited by the submitters: PubMed 16629161.

NM_000096.4(CP):c.2322C>A (p.Tyr774Ter)

Gene: CP (ceruloplasmin; minus strand). Cytogenetic location: 3q24.
Variant type: single nucleotide variant.
Coding change: c.2322C>A on transcript NM_000096.4 (MANE Select); coding-DNA position 2322, C replaced by A.
Protein change: p.Tyr774Ter; replaces tyrosine 774 with a stop codon.
Molecular consequence: nonsense. On other transcripts: non-coding transcript variant (1).
Genome position (GRCh38, 1-based): chr3:149,183,569, G>T on the plus strand (C>A on the coding strand, the complement: CP is on the minus strand). VCF-style: chr3-149183569-G-T. GRCh37 (hg19) VCF-style: chr3-148901356-G-T.
Other names: short protein forms Y774*.
Identifiers: ClinVar variation 1379970 (VCV001379970.6), dbSNP rs2108230432, ClinGen allele CA354931581.